The following is an entry in ClinVar:

ClinVar aggregate classification (germline): Uncertain significance (1 of 4 stars; one submission).

Conditions:
Inborn genetic diseases. Identifiers: MedGen C0950123, MeSH D030342.

Submission:

Ambry Genetics
Classification: Uncertain significance for Inborn genetic diseases. Last evaluated: 2020-08-21. Review status: criteria provided, single submitter. Criteria: Ambry Variant Classification Scheme 2023. Collection method: clinical testing. Allele origin: germline.
Comment: The c.865_870dupTGTCCT variant (also known as p.C289_P290dup), located in coding exon 7 of the FAM134B gene, results from an in-frame duplication of 6 nucleotides at positions 865 to 870. This results in the duplication of 2 extra residues (CP) between codons 289 and 290. This amino acid region is highly conserved in available vertebrate species. In addition, this alteration is predicted to be deleterious by in silico analysis (Choi Y et al. PLoS ONE. 2012; 7(10):e46688). Since supporting evidence is limited at this time, the clinical significance of this alteration remains unclear.

NM_001034850.3(RETREG1):c.865_870dup (p.Pro290_Lys291insCysPro)

Gene: RETREG1 (reticulophagy regulator 1; minus strand). Cytogenetic location: 5p15.1.
Variant type: Duplication.
Coding change: c.865_870dup on transcript NM_001034850.3 (MANE Select); coding-DNA positions 865 to 870, 6 bases duplicated (TGTCCT; older notation c.865_870dupTGTCCT).
Protein change: p.Pro290_Lys291insCysPro.
Molecular consequence: inframe insertion.
Genome position (GRCh38, 1-based): chr5:16,478,037-16,478,042, AGGACA duplicated on the plus strand (TGTCCT on the coding strand, the reverse complement: RETREG1 is on the minus strand); duplicating any 6 consecutive bases within chr5:16,478,037-16,478,043 gives the same sequence; the c. name uses the placement nearest the transcript's 3' end. VCF-style (leftmost placement, unchanged base first): chr5-16478036-T-TAGGACA. GRCh37 (hg19) VCF-style: chr5-16478145-T-TAGGACA.
Other names: c.442_447dup, p.Pro149_Lys150insCysPro (NM_019000.5).
Identifiers: ClinVar variation 1800254 (VCV001800254.2), dbSNP rs1738616219, ClinGen allele CA443291891.
Genomic context (GRCh38, chr5:16,478,036, plus strand): 5'-ATACATGCATTTACAGTCAAACCACACAGGAACAAATTGAAAACTAAACAAAAAATACCT[T>TAGGACA]AGGACAAAGAGCTGAAAAGTCTAATTCACTGTCATCTTTGTGACTTTTTTCTTTGTCTGC-3'